The following is an entry in ClinVar:

ClinVar aggregate classification (germline): Uncertain significance (1 of 4 stars; one submission).

Allele frequency attached by ClinVar (database versions not stated): gnomAD exomes 0.00001 and 0.00003; TOPMed 0.00003; gnomAD 0.00004; ESP Exome Variant Server 0.00008.
gnomAD v4.1: 46 of 1,614,050 alleles (0.0028%); highest among the groups gnomAD compares: African/African-American, 0.004%; 1 homozygote.

Submission:

Labcorp Genetics (formerly Invitae), Labcorp
Classification: Uncertain significance. Last evaluated: 2024-02-20. Review status: criteria provided, single submitter. Criteria: Invitae Variant Classification Sherloc (09022015). Collection method: clinical testing. Allele origin: germline.
Comment: This sequence change replaces glycine, which is neutral and non-polar, with aspartic acid, which is acidic and polar, at codon 266 of the ROM1 protein (p.Gly266Asp). This variant is present in population databases (rs372328948, gnomAD 0.007%). This variant has not been reported in the literature in individuals affected with ROM1-related conditions. ClinVar contains an entry for this variant (Variation ID: 960308). Advanced modeling of protein sequence and biophysical properties (such as structural, functional, and spatial information, amino acid conservation, physicochemical variation, residue mobility, and thermodynamic stability) performed at Invitae indicates that this missense variant is not expected to disrupt ROM1 protein function with a negative predictive value of 80%. In summary, the available evidence is currently insufficient to determine the role of this variant in disease. Therefore, it has been classified as a Variant of Uncertain Significance.

NM_000327.4(ROM1):c.797G>A (p.Gly266Asp)

Gene: ROM1 (retinal outer segment membrane protein 1; plus strand). Cytogenetic location: 11q12.3.
Variant type: single nucleotide variant.
Coding change: c.797G>A on transcript NM_000327.4 (MANE Select); coding-DNA position 797, G replaced by A.
Protein change: p.Gly266Asp; replaces glycine 266 with aspartic acid.
Molecular consequence: missense variant.
Genome position (GRCh38, 1-based): chr11:62,614,464, G>A. VCF-style: chr11-62614464-G-A. GRCh37 (hg19) VCF-style: chr11-62381936-G-A.
Other names: short protein forms G266D.
Identifiers: ClinVar variation 960308 (VCV000960308.10), dbSNP rs372328948, ClinGen allele CA223036313.